The following is an entry in ClinVar:

NM_024642.5(GALNT12):c.656C>T (p.Ala219Val)

Gene: GALNT12 (polypeptide N-acetylgalactosaminyltransferase 12; plus strand). Cytogenetic location: 9q22.33.
Variant type: single nucleotide variant.
Coding change: c.656C>T on transcript NM_024642.5 (MANE Select); coding-DNA position 656, C replaced by T.
Protein change: p.Ala219Val; replaces alanine 219 with valine.
Molecular consequence: missense variant.
Genome position (GRCh38, 1-based): chr9:98,826,866, C>T. VCF-style: chr9-98826866-C-T. GRCh37 (hg19) VCF-style: chr9-101589148-C-T.
Other names: short protein forms A219V.
Identifiers: ClinVar variation 1754232 (VCV001754232.9), dbSNP rs1237226126, ClinGen allele CA15602941.
Genomic context (GRCh38, chr9:98,826,866, plus strand): 5'-TGATCCGCGCCAACAAGAGAGAGGGCCTGGTGCGAGCCCGGCTGCTGGGGGCGTCTGCGG[C>T]GAGGGGCGATGTTCTGACCTTCCTGGACTGTCACTGTGAGTGCCACGAAGGGTGGCTGGA-3'
Protein context (NP_078918.3, residues 209-229): VRARLLGASA[Ala219Val]RGDVLTFLDC

ClinVar aggregate classification (germline): Uncertain significance. Review status: criteria provided, multiple submitters, no conflicts (2 of 4 stars). 5 submissions from 5 submitters: Uncertain significance (5). Last evaluated 2025-11-23.

Conditions:
Colorectal cancer, susceptibility to, 1. Also called: COLORECTAL ADENOMA AND CANCER, SUSCEPTIBILITY TO; COLORECTAL CANCER, SUSCEPTIBILITY TO, ON CHROMOSOME 9. Identifiers: MedGen C1837315, MONDO:0012132, OMIM 608812.

Allele frequency attached by ClinVar (database versions not stated): gnomAD 0.00001; TOPMed 0.00001.
gnomAD v4.1: 3 of 1,601,182 alleles (0.00019%); highest among the groups gnomAD compares: East Asian, 0.0023%; no homozygotes.

Submissions (5):

Ambry Genetics
Classification: Uncertain significance. Last evaluated: 2025-11-23. Review status: criteria provided, single submitter. Criteria: Ambry Variant Classification Scheme 2023. Collection method: clinical testing. Allele origin: germline.
Comment: The p.A219V variant (also known as c.656C>T), located in coding exon 3 of the GALNT12 gene, results from a C to T substitution at nucleotide position 656. The alanine at codon 219 is replaced by valine, an amino acid with similar properties. This amino acid position is conserved. In addition, the in silico prediction for this alteration is inconclusive. The evidence for this gene-disease relationship is limited; therefore, the clinical significance of this alteration is unclear.

Labcorp Genetics (formerly Invitae), Labcorp
Classification: Uncertain significance. Last evaluated: 2024-12-28. Review status: criteria provided, single submitter. Criteria: Invitae Variant Classification Sherloc (09022015). Collection method: clinical testing. Allele origin: germline.
Comment: This sequence change replaces alanine, which is neutral and non-polar, with valine, which is neutral and non-polar, at codon 219 of the GALNT12 protein (p.Ala219Val). This variant is not present in population databases (gnomAD no frequency). This variant has not been reported in the literature in individuals affected with GALNT12-related conditions. ClinVar contains an entry for this variant (Variation ID: 1754232). Invitae Evidence Modeling of protein sequence and biophysical properties (such as structural, functional, and spatial information, amino acid conservation, physicochemical variation, residue mobility, and thermodynamic stability) indicates that this missense variant is not expected to disrupt GALNT12 protein function with a negative predictive value of 80%. In summary, the available evidence is currently insufficient to determine the role of this variant in disease. Therefore, it has been classified as a Variant of Uncertain Significance.

Department of Pathology and Laboratory Medicine, Sinai Health System
Classification: Uncertain significance for Colorectal cancer, susceptibility to, 1. Last evaluated: 2024-04-24. Review status: criteria provided, single submitter. Criteria: ACMG Guidelines, 2015. Collection method: clinical testing. Allele origin: germline. Affected: yes.

Baylor Genetics
Classification: Uncertain significance for Colorectal cancer, susceptibility to, 1. Last evaluated: 2023-11-19. Review status: criteria provided, single submitter. Criteria: ACMG Guidelines, 2015. Collection method: clinical testing. Allele origin: unknown.

Quest Diagnostics Nichols Institute San Juan Capistrano
Classification: Uncertain significance. Last evaluated: 2022-12-09. Review status: criteria provided, single submitter. Criteria: Quest Diagnostics criteria. Collection method: clinical testing. Allele origin: unknown.
Comment: The variant has not been reported in the published literature. It also has not been reported in large, multi-ethnic general populations. Analysis of this variant using bioinformatics tools for the prediction of the effect of amino acid changes on protein structure and function yielded predictions that this variant is benign. Additional analysis using software algorithms for the prediction of the effect of nucleotide changes on GALNT12 mRNA splicing yielded predictions that this variant may result in the gain of a cryptic splice site without affecting the natural splice sites . Based on the available information, we are unable to determine the clinical significance of this variant.